The following is an entry in ClinVar:

ClinVar aggregate classification (germline): Uncertain significance (1 of 4 stars; one submission).

Conditions:
Cardiovascular phenotype. Identifiers: MedGen CN230736.

Submission:

Ambry Genetics
Classification: Uncertain significance for Cardiovascular phenotype. Last evaluated: 2023-03-27. Review status: criteria provided, single submitter. Criteria: Ambry Variant Classification Scheme 2023. Collection method: clinical testing. Allele origin: germline.
Comment: The p.I431N variant (also known as c.1292T>A), located in coding exon 6 of the SHOC2 gene, results from a T to A substitution at nucleotide position 1292. The isoleucine at codon 431 is replaced by asparagine, an amino acid with dissimilar properties. This amino acid position is conserved. In addition, the in silico prediction for this alteration is inconclusive. Since supporting evidence is limited at this time, the clinical significance of this alteration remains unclear.

NM_007373.4(SHOC2):c.1292T>A (p.Ile431Asn)

Gene: SHOC2 (SHOC2 leucine rich repeat scaffold protein; plus strand). Cytogenetic location: 10q25.2.
Variant type: single nucleotide variant.
Coding change: c.1292T>A on transcript NM_007373.4 (MANE Select); coding-DNA position 1292, T replaced by A.
Protein change: p.Ile431Asn; replaces isoleucine 431 with asparagine.
Molecular consequence: missense variant. On other transcripts: non-coding transcript variant (1).
Genome position (GRCh38, 1-based): chr10:111,009,255, T>A. VCF-style: chr10-111009255-T-A. GRCh37 (hg19) VCF-style: chr10-112769013-T-A.
Other names: c.1154T>A, p.Ile385Asn (NM_001269039.3); c.1292T>A, p.Ile431Asn (NM_001324336.2, NM_001324337.2); short protein forms I431N, I385N.
Identifiers: ClinVar variation 2565490 (VCV002565490.2), dbSNP rs772112498, ClinGen allele CA378523848.